The following is an entry in ClinVar:

NM_006080.3(SEMA3A):c.668-7C>T

Gene: SEMA3A (semaphorin 3A; minus strand). Cytogenetic location: 7q21.11.
Variant type: single nucleotide variant.
Coding change: c.668-7C>T on transcript NM_006080.3 (MANE Select); 7 bases into the intron before coding-DNA position 668, C replaced by T.
Molecular consequence: intron variant.
Genome position (GRCh38, 1-based): chr7:84,014,358, G>A on the plus strand (C>T on the coding strand, the complement: SEMA3A is on the minus strand). VCF-style: chr7-84014358-G-A. GRCh37 (hg19) VCF-style: chr7-83643674-G-A.
Identifiers: ClinVar variation 3347025 (VCV003347025.1).
Genomic context (GRCh38, chr7:84,014,358, plus strand): 5'-CATCTTCAGGATTGTCACTCTCTGAGATGAGGTGGGCACTAATGAACTTTGGATCTGAGA[G>A]ACAAATAATAGCGTATATATTAATTCACAGCTTAATAAATAATACCATTCTGAACAGTCC-3'

ClinVar aggregate classification (germline): Likely benign (0 of 4 stars; one submission).

Conditions:
SEMA3A-related disorder. Also called: SEMA3A-related condition.

Submission:

PreventionGenetics, part of Exact Sciences
Classification: Likely benign for SEMA3A-related condition. Last evaluated: 2024-09-12. Review status: no assertion criteria provided. Collection method: clinical testing. Allele origin: germline.
Comment: This variant is classified as likely benign based on ACMG/AMP sequence variant interpretation guidelines (Richards et al. 2015 PMID: 25741868, with internal and published modifications).